The following is an entry in ClinVar:

NM_002693.3(POLG):c.1585+6G>A

Gene: POLG (DNA polymerase gamma, catalytic subunit; minus strand). Cytogenetic location: 15q26.1.
Variant type: single nucleotide variant.
Coding change: c.1585+6G>A on transcript NM_002693.3 (MANE Select); 6 bases into the intron after coding-DNA position 1585, G replaced by A.
Molecular consequence: intron variant.
Genome position (GRCh38, 1-based): chr15:89,326,906, C>T on the plus strand (G>A on the coding strand, the complement: POLG is on the minus strand). VCF-style: chr15-89326906-C-T. GRCh37 (hg19) VCF-style: chr15-89870137-C-T.
Other names: c.1585+6G>A (NM_001126131.2).
Identifiers: ClinVar variation 2420372 (VCV002420372.5), dbSNP rs2509254465, ClinGen allele CA1139771362.

ClinVar aggregate classification (germline): Uncertain significance (1 of 4 stars; one submission).

Conditions:
Progressive sclerosing poliodystrophy (MTDPS4A). Also called: Mitochondrial DNA Depletion Syndrome 4A; Alpers-Huttenlocher Syndrome (AHS); ALPERS PROGRESSIVE INFANTILE POLIODYSTROPHY; NEURONAL DEGENERATION OF CHILDHOOD WITH LIVER DISEASE, PROGRESSIVE; Mitochondrial DNA depletion syndrome 4A (Alpers type); Alpers Syndrome. Identifiers: Orphanet 726, MedGen C0205710, MONDO:0008758, OMIM 203700.

Submission:

Labcorp Genetics (formerly Invitae), Labcorp
Classification: Uncertain significance for Progressive sclerosing poliodystrophy. Last evaluated: 2022-04-07. Review status: criteria provided, single submitter. Criteria: Invitae Variant Classification Sherloc (09022015). Collection method: clinical testing. Allele origin: germline.
Comment: This sequence change falls in intron 8 of the POLG gene. It does not directly change the encoded amino acid sequence of the POLG protein. It affects a nucleotide within the consensus splice site. This variant is not present in population databases (gnomAD no frequency). This variant has not been reported in the literature in individuals affected with POLG-related conditions. Variants that disrupt the consensus splice site are a relatively common cause of aberrant splicing (PMID: 17576681, 9536098). Algorithms developed to predict the effect of sequence changes on RNA splicing suggest that this variant is not likely to affect RNA splicing. In summary, the available evidence is currently insufficient to determine the role of this variant in disease. Therefore, it has been classified as a Variant of Uncertain Significance.

Literature cited by the submitters: PubMed 17576681; PubMed 9536098.